The following is an entry in ClinVar:

ClinVar aggregate classification (germline): Uncertain significance (1 of 4 stars; one submission).

Allele frequency attached by ClinVar (database versions not stated): gnomAD exomes below 0.00001.
gnomAD v4.1: 1 of 1,593,334 alleles (0.000063%); highest among the groups gnomAD compares: East Asian, 0.0023%; no homozygotes.

Submission:

Labcorp Genetics (formerly Invitae), Labcorp
Classification: Uncertain significance. Last evaluated: 2022-09-27. Review status: criteria provided, single submitter. Criteria: Invitae Variant Classification Sherloc (09022015). Collection method: clinical testing. Allele origin: germline.
Comment: In summary, the available evidence is currently insufficient to determine the role of this variant in disease. Therefore, it has been classified as a Variant of Uncertain Significance. Algorithms developed to predict the effect of missense changes on protein structure and function are either unavailable or do not agree on the potential impact of this missense change (SIFT: "Tolerated"; PolyPhen-2: "Possibly Damaging"; Align-GVGD: "Class C0"). This variant has not been reported in the literature in individuals affected with TMED7-related conditions. This variant is not present in population databases (gnomAD no frequency). This sequence change replaces glutamic acid, which is acidic and polar, with glutamine, which is neutral and polar, at codon 130 of the TMED7 protein (p.Glu130Gln).

NM_181836.6(TMED7):c.388G>C (p.Glu130Gln)

Genes: TMED7 (transmembrane p24 trafficking protein 7; minus strand), TMED7-TICAM2 (TMED7-TICAM2 readthrough; minus strand). Cytogenetic location: 5q22.3.
Variant type: single nucleotide variant.
Coding change: c.388G>C on transcript NM_181836.6 (MANE Select); coding-DNA position 388, G replaced by C.
Protein change: p.Glu130Gln; replaces glutamic acid 130 with glutamine.
Molecular consequence: missense variant.
Genome position (GRCh38, 1-based): chr5:115,620,485, C>G on the plus strand (G>C on the coding strand, the complement: TMED7 is on the minus strand). VCF-style: chr5-115620485-C-G. GRCh37 (hg19) VCF-style: chr5-114956182-C-G.
Other names: c.388G>C, p.Glu130Gln (NM_001164468.4, NM_001164469.4); short protein forms E130Q.
Identifiers: ClinVar variation 2032990 (VCV002032990.4), dbSNP rs1756990546, ClinGen allele CA360713620.
Genomic context (GRCh38, chr5:115,620,485, plus strand): 5'-TTTTATTTACCTGGGTAAGAGCACTGACTCGGTTCTCACTAGGAAACAAAGGTGGGTCTT[C>G]TCCAACTTGAAAATCAAAATATACAGTTTTATGTGTGAAAGTAGAAAATTCATTGCTGAA-3'
Protein context (NP_861974.1, residues 120-140): KTVYFDFQVG[Glu130Gln]DPPLFPSENR